The following is an entry in ClinVar:

ClinVar aggregate classification (germline): Conflicting classifications of pathogenicity. Review status: criteria provided, conflicting classifications (1 of 4 stars). 2 submissions from 2 submitters: Uncertain significance (1); Likely benign (1). Last evaluated 2026-09-21.

gnomAD v4.1: 255 of 1,614,158 alleles (0.016%); highest among the groups gnomAD compares: Admixed American, 0.09%; no homozygotes.

Submissions (2):

Molecular Diagnostic Laboratory for Inherited Cardiovascular Disease, Montreal Heart Institute
Classification: Likely benign. Last evaluated: 2026-09-21. Review status: criteria provided, single submitter. Criteria: ACMG Guidelines, 2015. Collection method: clinical testing. Allele origin: germline. Affected: no.
Comment: BS1;BP4

Blueprint Genetics
Classification: Uncertain significance. Last evaluated: 2024-07-23. Review status: criteria provided, single submitter. Criteria: ACMG Guidelines, 2015. Collection method: clinical testing. Allele origin: germline.

NM_198060.4(NRAP):c.3989G>A (p.Arg1330Gln)

Gene: NRAP (nebulin related anchoring protein; minus strand). Cytogenetic location: 10q25.3.
Variant type: single nucleotide variant.
Coding change: c.3989G>A on transcript NM_198060.4 (MANE Select); coding-DNA position 3989, G replaced by A.
Protein change: p.Arg1330Gln; replaces arginine 1330 with glutamine.
Molecular consequence: missense variant.
Genome position (GRCh38, 1-based): chr10:113,604,847, C>T on the plus strand (G>A on the coding strand, the complement: NRAP is on the minus strand). VCF-style: chr10-113604847-C-T. GRCh37 (hg19) VCF-style: chr10-115364606-C-T.
Other names: c.3989G>A, p.Arg1330Gln (NM_001261463.2); c.3881G>A, p.Arg1294Gln (NM_001322945.2); c.3884G>A, p.Arg1295Gln (NM_006175.5); short protein forms R1294Q, R1295Q, R1330Q.
Identifiers: ClinVar variation 3895147 (VCV003895147.3), dbSNP rs189607000.